The following is an entry in ClinVar:

NM_000116.5(TAFAZZIN):c.718G>T (p.Gly240Trp)

Gene: TAFAZZIN (tafazzin, phospholipid-lysophospholipid transacylase; plus strand). Cytogenetic location: Xq28.
Variant type: single nucleotide variant.
Coding change: c.718G>T on transcript NM_000116.5 (MANE Select); coding-DNA position 718, G replaced by T.
Protein change: p.Gly240Trp; replaces glycine 240 with tryptophan.
Molecular consequence: missense variant. On other transcripts: non-coding transcript variant (1).
Genome position (GRCh38, 1-based): chrX:154,420,676, G>T. VCF-style: chrX-154420676-G-T. GRCh37 (hg19) VCF-style: chrX-153649015-G-T.
Other names: c.730G>T, p.Gly244Trp (NM_001303465.2); c.682G>T, p.Gly228Trp (NM_001410698.1); c.628G>T, p.Gly210Trp (NM_181311.4); c.676G>T, p.Gly226Trp (NM_181312.4); c.586G>T, p.Gly196Trp (NM_181313.4); short protein forms G210W, G228W, G196W, G244W, G240W, G226W.
Identifiers: ClinVar variation 3643364 (VCV003643364.2).

ClinVar aggregate classification (germline): Uncertain significance (1 of 4 stars; one submission).

Conditions:
3-Methylglutaconic aciduria type 2 (BTHS). Also called: CARDIOSKELETAL MYOPATHY WITH NEUTROPENIA AND ABNORMAL MITOCHONDRIA; Barth syndrome. Identifiers: Orphanet 111, MedGen C0574083, MONDO:0010543, OMIM 302060.

Submission:

Labcorp Genetics (formerly Invitae), Labcorp
Classification: Uncertain significance for 3-Methylglutaconic aciduria type 2. Last evaluated: 2024-02-26. Review status: criteria provided, single submitter. Criteria: Invitae Variant Classification Sherloc (09022015). Collection method: clinical testing. Allele origin: germline.
Comment: This sequence change replaces glycine, which is neutral and non-polar, with tryptophan, which is neutral and slightly polar, at codon 240 of the TAZ protein (p.Gly240Trp). This variant is not present in population databases (gnomAD no frequency). This variant has not been reported in the literature in individuals affected with TAZ-related conditions. An algorithm developed to predict the effect of missense changes on protein structure and function (PolyPhen-2) suggests that this variant is likely to be disruptive. This variant disrupts the p.Gly240 amino acid residue in TAZ. Other variant(s) that disrupt this residue have been determined to be pathogenic (PMID: 4685904, 9382096, 11896212, 23345479). This suggests that this residue is clinically significant, and that variants that disrupt this residue are likely to be disease-causing. In summary, the available evidence is currently insufficient to determine the role of this variant in disease. Therefore, it has been classified as a Variant of Uncertain Significance.

Literature cited by the submitters: PubMed 4685904; PubMed 9382096; PubMed 11896212; PubMed 23345479.